The following is an entry in ClinVar:

ClinVar aggregate classification (germline): Uncertain significance. Review status: criteria provided, multiple submitters, no conflicts (2 of 4 stars). 2 submissions from 2 submitters: Uncertain significance (2). Last evaluated 2026-07-07.

Conditions:
Hereditary cancer-predisposing syndrome. Also called: Hereditary Cancer Syndrome; Hereditary neoplastic syndrome; Neoplastic Syndromes, Hereditary; Tumor predisposition. Identifiers: Orphanet 140162, MedGen C0027672, MeSH D009386, MONDO:0015356.
Familial thoracic aortic aneurysm and aortic dissection (TAAD). Also called: Thoracic aortic aneurysms and dissections. Identifiers: Orphanet 91387, MedGen C4707243, MONDO:0019625.
Juvenile polyposis syndrome (JPS). Identifiers: Orphanet 2929, MedGen C0345893, MONDO:0017380, OMIM 174900.

Allele frequency attached by ClinVar (database versions not stated): TOPMed below 0.00001.

Submissions (2):

Ambry Genetics
Classification: Uncertain significance for Hereditary cancer-predisposing syndrome; Familial thoracic aortic aneurysm and aortic dissection. Last evaluated: 2026-07-07. Review status: criteria provided, single submitter. Criteria: Ambry Variant Classification Scheme 2023. Collection method: clinical testing. Allele origin: germline.
Comment: The p.P170S variant (also known as c.508C>T), located in coding exon 4 of the SMAD4 gene, results from a C to T substitution at nucleotide position 508. The proline at codon 170 is replaced by serine, an amino acid with similar properties. This amino acid position is conserved. In addition, this alteration is predicted to be tolerated by in silico analysis. Based on the available evidence, the clinical significance of this variant remains unclear.

Labcorp Genetics (formerly Invitae), Labcorp
Classification: Uncertain significance for Juvenile polyposis syndrome. Last evaluated: 2024-02-01. Review status: criteria provided, single submitter. Criteria: Invitae Variant Classification Sherloc (09022015). Collection method: clinical testing. Allele origin: germline.
Comment: This sequence change replaces proline, which is neutral and non-polar, with serine, which is neutral and polar, at codon 170 of the SMAD4 protein (p.Pro170Ser). This variant is not present in population databases (gnomAD no frequency). This variant has not been reported in the literature in individuals affected with SMAD4-related conditions. Advanced modeling of protein sequence and biophysical properties (such as structural, functional, and spatial information, amino acid conservation, physicochemical variation, residue mobility, and thermodynamic stability) performed at Invitae indicates that this missense variant is not expected to disrupt SMAD4 protein function with a negative predictive value of 95%. In summary, the available evidence is currently insufficient to determine the role of this variant in disease. Therefore, it has been classified as a Variant of Uncertain Significance.

NM_005359.6(SMAD4):c.508C>T (p.Pro170Ser)

Gene: SMAD4 (SMAD family member 4; plus strand). Cytogenetic location: 18q21.2.
Variant type: single nucleotide variant.
Coding change: c.508C>T on transcript NM_005359.6 (MANE Select); coding-DNA position 508, C replaced by T.
Protein change: p.Pro170Ser; replaces proline 170 with serine.
Molecular consequence: missense variant. On other transcripts: non-coding transcript variant (2).
Genome position (GRCh38, 1-based): chr18:51,054,834, C>T. VCF-style: chr18-51054834-C-T. GRCh37 (hg19) VCF-style: chr18-48581204-C-T.
Other names: c.508C>T, p.Pro170Ser (NM_001407041.1, NM_001407042.1, NM_001407043.1); short protein forms P170S.
Identifiers: ClinVar variation 2981611 (VCV002981611.4), dbSNP rs1909796339, ClinGen allele CA402460753.